The following is an entry in ClinVar:

ClinVar aggregate classification (germline): Conflicting classifications of pathogenicity. Review status: criteria provided, conflicting classifications (1 of 4 stars). 3 submissions from 3 submitters: Uncertain significance (1); Likely benign (2). Last evaluated 2024-10-31.

Conditions:
Early-infantile DEE. Also called: Ohtahara syndrome; Early infantile epileptic encephalopathy with suppression bursts; Early infantile epileptic encephalopathy. Identifiers: Orphanet 1934, MedGen C0393706, MONDO:0800491.
Inborn genetic diseases. Identifiers: MedGen C0950123, MeSH D030342.

Allele frequency attached by ClinVar (database versions not stated): TOPMed 0.00002.
gnomAD v4.1: 33 of 1,609,840 alleles (0.002%); highest among the groups gnomAD compares: Non-Finnish European, 0.0027%; no homozygotes.

Submissions (3):

Labcorp Genetics (formerly Invitae), Labcorp
Classification: Likely benign for Early-infantile DEE. Last evaluated: 2024-10-31. Review status: criteria provided, single submitter. Criteria: Invitae Variant Classification Sherloc (09022015). Collection method: clinical testing. Allele origin: germline.

Ambry Genetics
Classification: Uncertain significance for Inborn genetic diseases. Last evaluated: 2024-04-18. Review status: criteria provided, single submitter. Criteria: Ambry Variant Classification Scheme 2023. Collection method: clinical testing. Allele origin: germline.
Comment: The c.1526-6C>A intronic alteration consists of a C to A substitution 6 nucleotides before coding exon 14 in the KCNQ2 gene. Based on insufficient or conflicting evidence, the clinical significance of this alteration remains unclear.

GeneDx
Classification: Likely benign. Last evaluated: 2020-11-30. Review status: criteria provided, single submitter. Criteria: GeneDx Variant Classification Process June 2021. Collection method: clinical testing. Allele origin: germline. Affected: yes.

NM_172107.4(KCNQ2):c.1526-6C>A

Gene: KCNQ2 (potassium voltage-gated channel subfamily Q member 2; minus strand). Cytogenetic location: 20q13.33.
Variant type: single nucleotide variant.
Coding change: c.1526-6C>A on transcript NM_172107.4 (MANE Select); 6 bases into the intron before coding-DNA position 1526, C replaced by A.
Molecular consequence: intron variant.
Genome position (GRCh38, 1-based): chr20:63,414,199, G>T on the plus strand (C>A on the coding strand, the complement: KCNQ2 is on the minus strand). VCF-style: chr20-63414199-G-T. GRCh37 (hg19) VCF-style: chr20-62045552-G-T.
Other names: c.1442-6C>A (NM_004518.6); c.1436-9C>A (NM_172108.5); c.1472-6C>A (NM_172106.3).
Identifiers: ClinVar variation 530475 (VCV000530475.14), dbSNP rs763503121, ClinGen allele CA9958414.